The following is an entry in ClinVar:

NC_000018.9:g.(?_19780599)_(19780786_?)dup

Gene: GATA6 (GATA binding protein 6; plus strand). Cytogenetic location: 18q11.2.
Variant type: Duplication.
Identifiers: ClinVar variation 2425330 (VCV002425330.4).

ClinVar aggregate classification (germline): Uncertain significance (1 of 4 stars; one submission).

Conditions:
Atrioventricular septal defect 5 (AVSD5). Identifiers: MedGen C3280939, MONDO:0013769, OMIM 614474.

Submission:

Labcorp Genetics (formerly Invitae), Labcorp
Classification: Uncertain significance for Atrioventricular septal defect 5. Last evaluated: 2023-01-22. Review status: criteria provided, single submitter. Criteria: Invitae Variant Classification Sherloc (09022015). Collection method: clinical testing. Allele origin: germline.
Comment: In summary, the available evidence is currently insufficient to determine the role of this variant in disease. Therefore, it has been classified as a Variant of Uncertain Significance. Experimental studies and prediction algorithms are not available or were not evaluated, and the functional significance of this variant is currently unknown. This variant has not been reported in the literature in individuals affected with GATA6-related conditions. This variant results in a copy number gain of the genomic region encompassing exon(s) 7 of the GATA6 gene. This region includes the termination codon of the gene. This copy number gain extends beyond the assayed region for this gene and therefore may encompass additional genes. As the precise location of this event is unknown, it may be in tandem or it may be located elsewhere in the genome.